The following is an entry in ClinVar:

NM_001353345.2(SETD1B):c.4196G>A (p.Ser1399Asn)

Gene: SETD1B (SET domain containing 1B, histone lysine methyltransferase; plus strand). Cytogenetic location: 12q24.31.
Variant type: single nucleotide variant.
Coding change: c.4196G>A on transcript NM_001353345.2 (MANE Select); coding-DNA position 4196, G replaced by A.
Protein change: p.Ser1399Asn; replaces serine 1399 with asparagine.
Molecular consequence: missense variant.
Genome position (GRCh38, 1-based): chr12:121,822,775, G>A. VCF-style: chr12-121822775-G-A. GRCh37 (hg19) VCF-style: chr12-122260681-G-A.
Other names: short protein forms S1399N.
Identifiers: ClinVar variation 1810541 (VCV001810541.1), dbSNP rs2500233103, ClinGen allele CA386998530.
Genomic context (GRCh38, chr12:121,822,775, plus strand): 5'-TGCCAGCCACACCAGGCGGGGAGCCCCCGCTATCAGGGGGCAGCAGTGGCCTGTCCCTGA[G>A]CTCTCCGCAAGTGCCCGGCAGCCCCTTCTCCTACCCAGCCCCGTCCCCTAGCTTGAGCAG-3'
Protein context (NP_001340274.1, residues 1389-1409): LSGGSSGLSL[Ser1399Asn]SPQVPGSPFS

ClinVar aggregate classification (germline): Uncertain significance (1 of 4 stars; one submission).

Submission:

GeneDx
Classification: Uncertain significance. Last evaluated: 2022-07-05. Review status: criteria provided, single submitter. Criteria: GeneDx Variant Classification Process June 2021. Collection method: clinical testing. Allele origin: germline. Affected: yes.
Comment: Not observed at significant frequency in large population cohorts (gnomAD); In silico analysis supports that this missense variant does not alter protein structure/function; Has not been previously published as pathogenic or benign to our knowledge